The following is an entry in ClinVar:

NM_003809.3(TNFSF12):c.569G>A (p.Arg190His)

Genes: TNFSF12 (TNF superfamily member 12; plus strand), TNFSF12-TNFSF13 (TNFSF12-TNFSF13 readthrough; plus strand). Cytogenetic location: 17p13.1.
Variant type: single nucleotide variant.
Coding change: c.569G>A on transcript NM_003809.3 (MANE Select); coding-DNA position 569, G replaced by A.
Protein change: p.Arg190His; replaces arginine 190 with histidine.
Molecular consequence: missense variant. On other transcripts: non-coding transcript variant (1), intron variant (1).
Genome position (GRCh38, 1-based): chr17:7,557,169, G>A. VCF-style: chr17-7557169-G-A. GRCh37 (hg19) VCF-style: chr17-7460486-G-A.
Other names: c.498+267G>A (NM_172089.4); short protein forms R190H.
Identifiers: ClinVar variation 1500681 (VCV001500681.8), dbSNP rs1191670290, ClinGen allele CA397863143.

ClinVar aggregate classification (germline): Uncertain significance (1 of 4 stars; one submission).

Conditions:
Common variable immunodeficiency (CVID). Also called: Common variable hypogamma-globulinemia; Common variable agammaglobulinemia. Identifiers: Orphanet 1572, MedGen C0009447, MONDO:0015517.

Allele frequency attached by ClinVar (database versions not stated): gnomAD 0.00001; gnomAD exomes 0.00001; TOPMed 0.00002.
gnomAD v4.1: 12 of 1,612,264 alleles (0.00074%); highest among the groups gnomAD compares: Non-Finnish European, 0.001%; no homozygotes.

Submission:

Labcorp Genetics (formerly Invitae), Labcorp
Classification: Uncertain significance for Common variable immunodeficiency. Last evaluated: 2024-04-02. Review status: criteria provided, single submitter. Criteria: Invitae Variant Classification Sherloc (09022015). Collection method: clinical testing. Allele origin: germline.
Comment: This sequence change replaces arginine, which is basic and polar, with histidine, which is basic and polar, at codon 190 of the TNFSF12 protein (p.Arg190His). This variant is present in population databases (no rsID available, gnomAD 0.002%). This variant has not been reported in the literature in individuals affected with TNFSF12-related conditions. ClinVar contains an entry for this variant (Variation ID: 1500681). An algorithm developed to predict the effect of missense changes on protein structure and function (PolyPhen-2) suggests that this variant is likely to be disruptive. In summary, the available evidence is currently insufficient to determine the role of this variant in disease. Therefore, it has been classified as a Variant of Uncertain Significance.